The following is an entry in ClinVar:

ClinVar aggregate classification (germline): Uncertain significance (1 of 4 stars; one submission).

Submission:

GeneDx
Classification: Uncertain significance. Last evaluated: 2024-03-29. Review status: criteria provided, single submitter. Criteria: GeneDx Variant Classification Process June 2021. Collection method: clinical testing. Allele origin: germline. Affected: yes.
Comment: Not observed at significant frequency in large population cohorts (gnomAD); In silico analysis supports that this missense variant does not alter protein structure/function; Has not been previously published as pathogenic or benign to our knowledge

NM_182925.5(FLT4):c.1217C>T (p.Ala406Val)

Gene: FLT4 (fms related receptor tyrosine kinase 4; minus strand). Cytogenetic location: 5q35.3.
Variant type: single nucleotide variant.
Coding change: c.1217C>T on transcript NM_182925.5 (MANE Select); coding-DNA position 1217, C replaced by T.
Protein change: p.Ala406Val; replaces alanine 406 with valine.
Molecular consequence: missense variant.
Genome position (GRCh38, 1-based): chr5:180,626,152, G>A on the plus strand (C>T on the coding strand, the complement: FLT4 is on the minus strand). VCF-style: chr5-180626152-G-A. GRCh37 (hg19) VCF-style: chr5-180053152-G-A.
Other names: c.1217C>T, p.Ala406Val (NM_001354989.2, NM_002020.5); short protein forms A406V.
Identifiers: ClinVar variation 3371070 (VCV003371070.1).